The following is an entry in ClinVar:

NM_000548.5(TSC2):c.113_114dup (p.Ile39fs)

Gene: TSC2 (TSC complex subunit 2; plus strand). Cytogenetic location: 16p13.3.
Variant type: Duplication.
Coding change: c.113_114dup on transcript NM_000548.5 (MANE Select); coding-DNA positions 113 to 114, 2 bases duplicated (TT; older notation c.113_114dupTT).
Protein change: p.Ile39fs; shifts the reading frame from isoleucine 39.
Molecular consequence: frameshift variant. On other transcripts: 5 prime UTR variant (1), intron variant (1).
Genome position (GRCh38, 1-based): chr16:2,048,728-2,048,729, TT duplicated; duplicating any 2 consecutive bases within chr16:2,048,727-2,048,729 gives the same sequence; the c. name uses the placement nearest the transcript's 3' end. VCF-style (leftmost placement, unchanged base first): chr16-2048726-G-GTT. GRCh37 (hg19) VCF-style: chr16-2098727-G-GTT.
Other names: c.113_114dupTT (NM_000548.3); c.113_114dup, p.Ile39fs (NM_001077183.3, NM_001114382.3, NM_001318827.2 and 4 more transcripts); c.-114_-113dup (NM_001318831.2); c.146_147dup, p.Ile50fs (NM_001318832.2); c.-10+663_-10+664dup (NM_001318829.2); short protein forms I39fs, I50fs.
Identifiers: ClinVar variation 451943 (VCV000451943.1), dbSNP rs137854355, ClinGen allele CA658658338.

ClinVar aggregate classification (germline): Pathogenic (1 of 4 stars; one submission).

Submission:

GeneDx
Classification: Pathogenic. Last evaluated: 2017-09-15. Review status: criteria provided, single submitter. Criteria: GeneDx Variant Classification (06012015). Collection method: clinical testing. Allele origin: germline. Affected: yes.
Comment: The c.113_114dupTT pathogenic variant in the TSC2 gene causes a frameshift starting with codon Isoleucine 39, changes this amino acid to a Leucine residue and creates a premature Stop codon at position 8 of the new reading frame, denoted p.Ile39LeufsX8. This pathogenic variant is predicted to cause loss of normal protein function either through protein truncation or nonsense-mediated mRNA decay. Furthermore, it was not observed in large population cohorts (Lek et al., 2016; 1000 Genomes Consortium et al., 2015; Exome Variant Server).